The following is an entry in ClinVar:

ClinVar aggregate classification (germline): Likely benign. Review status: criteria provided, multiple submitters, no conflicts (2 of 4 stars). 2 submissions from 2 submitters: Likely benign (2). Last evaluated 2026-08-01.

Allele frequency attached by ClinVar (database versions not stated): gnomAD 0.00001; gnomAD exomes 0.00001 and 0.00002; ExAC 0.00002.
gnomAD v4.1: 6 of 1,614,066 alleles (0.00037%); highest among the groups gnomAD compares: Admixed American, 0.0067%; no homozygotes.

Submissions (2):

CeGaT Center for Human Genetics Tuebingen
Classification: Likely benign. Last evaluated: 2026-08-01. Review status: criteria provided, single submitter. Criteria: CeGaT Center For Human Genetics Tuebingen Variant Classification Criteria Version 2. Collection method: clinical testing. Allele origin: germline. Affected: yes. Observed: 1 variant allele.
Comment: NPHS1: BP4, BP7

Labcorp Genetics (formerly Invitae), Labcorp
Classification: Likely benign. Last evaluated: 2023-10-13. Review status: criteria provided, single submitter. Criteria: Invitae Variant Classification Sherloc (09022015). Collection method: clinical testing. Allele origin: germline.

NM_004646.4(NPHS1):c.3006T>C (p.Gly1002=)

Gene: NPHS1 (NPHS1 adhesion molecule, nephrin; minus strand). Cytogenetic location: 19q13.12.
Variant type: single nucleotide variant.
Coding change: c.3006T>C on transcript NM_004646.4 (MANE Select); coding-DNA position 3006, T replaced by C.
Protein change: p.Gly1002=; no amino-acid change (glycine 1002 retained).
Molecular consequence: synonymous variant.
Genome position (GRCh38, 1-based): chr19:35,839,340, A>G on the plus strand (T>C on the coding strand, the complement: NPHS1 is on the minus strand). VCF-style: chr19-35839340-A-G. GRCh37 (hg19) VCF-style: chr19-36330242-A-G.
Identifiers: ClinVar variation 1589612 (VCV001589612.9), dbSNP rs763247816, ClinGen allele CA9389950.